The following is an entry in ClinVar:

ClinVar aggregate classification (germline): Pathogenic (1 of 4 stars; one submission).

Conditions:
Methylcobalamin deficiency type cblE (HMAE). Also called: HOMOCYSTINURIA-MEGALOBLASTIC ANEMIA, cblE COMPLEMENTATION TYPE; HOMOCYSTINURIA-MEGALOBLASTIC ANEMIA, cblE TYPE; VITAMIN B12-RESPONSIVE HOMOCYSTINURIA, cblE TYPE. Identifiers: Orphanet 2169, Orphanet 622, MedGen C1856057, MONDO:0009354, OMIM 236270.

Submission:

Labcorp Genetics (formerly Invitae), Labcorp
Classification: Pathogenic for Methylcobalamin deficiency type cblE. Last evaluated: 2022-05-26. Review status: criteria provided, single submitter. Criteria: Invitae Variant Classification Sherloc (09022015). Collection method: clinical testing. Allele origin: germline.
Comment: For these reasons, this variant has been classified as Pathogenic. This variant has not been reported in the literature in individuals affected with MTRR-related conditions. This variant is not present in population databases (gnomAD no frequency). This sequence change creates a premature translational stop signal (p.Ser301Glnfs*15) in the MTRR gene. It is expected to result in an absent or disrupted protein product. Loss-of-function variants in MTRR are known to be pathogenic (PMID: 15714522).

Literature cited by the submitters: PubMed 15714522.

NM_002454.3(MTRR):c.901del (p.Ser301fs)

Gene: MTRR (5-methyltetrahydrofolate-homocysteine methyltransferase reductase; plus strand). Cytogenetic location: 5p15.31.
Variant type: Deletion.
Coding change: c.901del on transcript NM_002454.3 (MANE Select); coding-DNA position 901, one base deleted (T; older notation c.901delT).
Protein change: p.Ser301fs; shifts the reading frame from serine 301.
Molecular consequence: frameshift variant. On other transcripts: non-coding transcript variant (14).
Genome position (GRCh38, 1-based): chr5:7,883,275, T deleted; the last of 3 consecutive T bases (chr5:7,883,273-7,883,275); deleting any one gives the same sequence. VCF-style (leftmost placement, unchanged base first): chr5-7883272-AT-A. GRCh37 (hg19) VCF-style: chr5-7883385-AT-A.
Other names: c.901del, p.Ser301fs (NM_001364440.2, NM_001364441.2, NM_001364442.2 and 1 more transcripts); short protein forms S301fs.
Identifiers: ClinVar variation 1999085 (VCV001999085.4), dbSNP rs2478892105, ClinGen allele CA2580073153.